The following is an entry in ClinVar:

ClinVar aggregate classification (germline): Conflicting classifications of pathogenicity. Review status: criteria provided, conflicting classifications (1 of 4 stars). 6 submissions from 6 submitters: Uncertain significance (2); Benign (1); Likely benign (3). Last evaluated 2025-12-11.

Conditions:
PIEZO1-related disorder. Also called: PIEZO1-Related Disorders; PIEZO1-related condition.
Inborn genetic diseases. Identifiers: MedGen C0950123, MeSH D030342.

Allele frequency attached by ClinVar (database versions not stated): gnomAD exomes 0.00019; ExAC 0.00040; TOPMed 0.00096; gnomAD 0.00106 and 0.00112; 1000 Genomes Project 30x 0.00156; 1000 Genomes Project 0.00180.
gnomAD v4.1: 281 of 1,545,674 alleles (0.018%); highest among the groups gnomAD compares: African/African-American, 0.36%; no homozygotes.

Submissions (6):

Labcorp Genetics (formerly Invitae), Labcorp
Classification: Benign. Last evaluated: 2025-12-11. Review status: criteria provided, single submitter. Criteria: Invitae Variant Classification Sherloc (09022015). Collection method: clinical testing. Allele origin: germline.

PreventionGenetics, part of Exact Sciences
Classification: Likely benign for PIEZO1-related condition. Last evaluated: 2025-03-28. Review status: criteria provided, single submitter. Criteria: ACMG Guidelines, 2015. Collection method: clinical testing. Allele origin: germline.
Comment: This variant is classified as likely benign based on ACMG/AMP sequence variant interpretation guidelines (Richards et al. 2015 PMID: 25741868, with internal and published modifications).

ARUP Laboratories, Molecular Genetics and Genomics, ARUP Laboratories
Classification: Likely benign. Last evaluated: 2025-03-13. Review status: criteria provided, single submitter. Criteria: ARUP Molecular Germline Variant Investigation Process 2024. Collection method: clinical testing. Allele origin: germline.

Ambry Genetics
Classification: Uncertain significance for Inborn genetic diseases. Last evaluated: 2024-10-07. Review status: criteria provided, single submitter. Criteria: Ambry Variant Classification Scheme 2023. Collection method: clinical testing. Allele origin: germline.

Blueprint Genetics
Classification: Likely benign. Last evaluated: 2024-07-04. Review status: criteria provided, single submitter. Criteria: ACMG Guidelines, 2015. Collection method: clinical testing. Allele origin: germline.

Mayo Clinic Laboratories, Mayo Clinic
Classification: Uncertain significance. Last evaluated: 2021-09-21. Review status: criteria provided, single submitter. Criteria: ACMG Guidelines, 2015. Collection method: clinical testing. Allele origin: germline.

NM_001142864.4(PIEZO1):c.2215G>C (p.Glu739Gln)

Genes: HSALR1 (HSP90AB1 associated lncRNA 1; plus strand), PIEZO1 (piezo type mechanosensitive ion channel component 1 (Er blood group); minus strand). Cytogenetic location: 16q24.3.
Variant type: single nucleotide variant.
Coding change: c.2215G>C on transcript NM_001142864.4 (MANE Select); coding-DNA position 2215, G replaced by C.
Protein change: p.Glu739Gln; replaces glutamic acid 739 with glutamine.
Molecular consequence: missense variant.
Genome position (GRCh38, 1-based): chr16:88,734,020, C>G on the plus strand (G>C on the coding strand, the complement: PIEZO1 is on the minus strand). VCF-style: chr16-88734020-C-G. GRCh37 (hg19) VCF-style: chr16-88800428-C-G.
Other names: c.2215G>C (NM_001142864.3); short protein forms E739Q.
Identifiers: ClinVar variation 1162801 (VCV001162801.12), dbSNP rs567192344, ClinGen allele CA8232838.
Genomic context (GRCh38, chr16:88,734,020, plus strand): 5'-TGGAGTCCTCCTCCTCCTCCTCCTCCTCCTGCTGCTGCTGCTGATGCTCCTGCTGCTCCT[C>G]CCGCAGCAGTGGGGTCCCACTCACTGCATCCTGCCTGGGAGAGGGTCCGAAAATGTCATC-3'
Protein context (NP_001136336.2, residues 729-749): DAVSGTPLLR[Glu739Gln]EQQEHQQQQQ